The following is an entry in ClinVar:

NM_001009999.3(KDM1A):c.212C>G (p.Pro71Arg)

Gene: KDM1A (lysine demethylase 1A; plus strand). Cytogenetic location: 1p36.12.
Variant type: single nucleotide variant.
Coding change: c.212C>G on transcript NM_001009999.3 (MANE Select); coding-DNA position 212, C replaced by G.
Protein change: p.Pro71Arg; replaces proline 71 with arginine.
Molecular consequence: missense variant.
Genome position (GRCh38, 1-based): chr1:23,019,808, C>G. VCF-style: chr1-23019808-C-G. GRCh37 (hg19) VCF-style: chr1-23346301-C-G.
Other names: c.212C>G, p.Pro71Arg (NM_001363654.2, NM_001410762.1, NM_001410763.1 and 1 more transcripts); short protein forms P71R.
Identifiers: ClinVar variation 3532926 (VCV003532926.1).
Genomic context (GRCh38, chr1:23,019,808, plus strand): 5'-GGCCGGGGGCGGTGGGGGAGCGCACACCCCGCAAGAAAGAGCCTCCGCGGGCCTCGCCCC[C>G]CGGGGGCCTGGCGGAACCGCCGGGGTCCGCAGGGCCTCAGGCCGGCCCTACTGTCGTGCC-3'
Protein context (NP_001009999.1, residues 61-81): RKKEPPRASP[Pro71Arg]GGLAEPPGSA

ClinVar aggregate classification (germline): Uncertain significance (1 of 4 stars; one submission).

Conditions:
Inborn genetic diseases. Identifiers: MedGen C0950123, MeSH D030342.

Submission:

Ambry Genetics
Classification: Uncertain significance for Inborn genetic diseases. Last evaluated: 2024-11-23. Review status: criteria provided, single submitter. Criteria: Ambry Variant Classification Scheme 2023. Collection method: clinical testing. Allele origin: germline.
Comment: The p.P71R variant (also known as c.212C>G), located in coding exon 1 of the KDM1A gene, results from a C to G substitution at nucleotide position 212. The proline at codon 71 is replaced by arginine, an amino acid with dissimilar properties. This amino acid position is conserved. In addition, this alteration is predicted to be tolerated by in silico analysis. Based on the available evidence, the clinical significance of this variant remains unclear.